The following is an entry in ClinVar:

NM_004998.4(MYO1E):c.701A>G (p.Tyr234Cys)

Gene: MYO1E (myosin IE; minus strand). Cytogenetic location: 15q22.2.
Variant type: single nucleotide variant.
Coding change: c.701A>G on transcript NM_004998.4 (MANE Select); coding-DNA position 701, A replaced by G.
Protein change: p.Tyr234Cys; replaces tyrosine 234 with cysteine.
Molecular consequence: missense variant.
Genome position (GRCh38, 1-based): chr15:59,224,765, T>C on the plus strand (A>G on the coding strand, the complement: MYO1E is on the minus strand). VCF-style: chr15-59224765-T-C. GRCh37 (hg19) VCF-style: chr15-59516964-T-C.
Other names: c.701A>G (NM_004998.3); short protein forms Y234C.
Identifiers: ClinVar variation 1038242 (VCV001038242.13), dbSNP rs753956205, ClinGen allele CA7590241.

ClinVar aggregate classification (germline): Uncertain significance. Review status: criteria provided, multiple submitters, no conflicts (2 of 4 stars). 3 submissions from 3 submitters: Uncertain significance (2). 1 of the submissions does not count toward it. Last evaluated 2024-02-19.

Conditions:
Focal segmental glomerulosclerosis 6 (FSGS6). Identifiers: Orphanet 656, MedGen C3279905, MONDO:0013589, OMIM 614131.
MYO1E-related disorder. Also called: MYO1E-related condition.

Allele frequency attached by ClinVar (database versions not stated): gnomAD 0.00001 and 0.00002; TOPMed 0.00001.
gnomAD v4.1: 46 of 1,614,036 alleles (0.0028%); highest among the groups gnomAD compares: South Asian, 0.011%; no homozygotes.

Submissions (3):

Fulgent Genetics
Classification: Uncertain significance for Focal segmental glomerulosclerosis 6. Last evaluated: 2024-02-19. Review status: criteria provided, single submitter. Criteria: ACMG Guidelines, 2015. Collection method: clinical testing. Allele origin: germline.

Labcorp Genetics (formerly Invitae), Labcorp
Classification: Uncertain significance. Last evaluated: 2020-02-04. Review status: criteria provided, single submitter. Criteria: Invitae Variant Classification Sherloc (09022015). Collection method: clinical testing. Allele origin: germline.
Comment: This variant has not been reported in the literature in individuals with MYO1E-related conditions. This variant is present in population databases (rs753956205, ExAC 0.01%). This sequence change replaces tyrosine with cysteine at codon 234 of the MYO1E protein (p.Tyr234Cys). The tyrosine residue is highly conserved and there is a large physicochemical difference between tyrosine and cysteine. Algorithms developed to predict the effect of missense changes on protein structure and function (SIFT, PolyPhen-2, Align-GVGD) all suggest that this variant is likely to be disruptive, but these predictions have not been confirmed by published functional studies and their clinical significance is uncertain. In summary, the available evidence is currently insufficient to determine the role of this variant in disease. Therefore, it has been classified as a Variant of Uncertain Significance.

PreventionGenetics, part of Exact Sciences
Classification: Uncertain significance for MYO1E-related condition. Last evaluated: 2024-01-26. Review status: no assertion criteria provided. Collection method: clinical testing. Allele origin: germline. Not counted in ClinVar's aggregate classification.
Comment: The MYO1E c.701A>G variant is predicted to result in the amino acid substitution p.Tyr234Cys. To our knowledge, this variant has not been reported in the literature. This variant is reported in 0.0065% of alleles in individuals of South Asian descent in gnomAD. At this time, the clinical significance of this variant is uncertain due to the absence of conclusive functional and genetic evidence.